The following is an entry in ClinVar:

NM_000053.4(ATP7B):c.4355G>A (p.Trp1452Ter)

Gene: ATP7B (ATPase copper transporting beta; minus strand). Cytogenetic location: 13q14.3.
Variant type: single nucleotide variant.
Coding change: c.4355G>A on transcript NM_000053.4 (MANE Select); coding-DNA position 4355, G replaced by A.
Protein change: p.Trp1452Ter; replaces tryptophan 1452 with a stop codon.
Molecular consequence: nonsense.
Genome position (GRCh38, 1-based): chr13:51,934,799, C>T on the plus strand (G>A on the coding strand, the complement: ATP7B is on the minus strand). VCF-style: chr13-51934799-C-T. GRCh37 (hg19) VCF-style: chr13-52508935-C-T.
Other names: c.3734G>A, p.Trp1245Ter (NM_001005918.3); c.4022G>A, p.Trp1341Ter (NM_001243182.2); c.4121G>A, p.Trp1374Ter (NM_001330578.2, NM_001406527.1, NM_001406528.1); c.4103G>A, p.Trp1368Ter (NM_001330579.2, NM_001406531.1, NM_001406532.1); c.4355G>A, p.Trp1452Ter (NM_001406511.1, NM_001406512.1); c.4349G>A, p.Trp1450Ter (NM_001406513.1); c.4322G>A, p.Trp1441Ter (NM_001406514.1); c.4301G>A, p.Trp1434Ter (NM_001406515.1, NM_001406516.1); and 21 more; short protein forms W1309*, W1341*, W1374*, W1391*, W1407*, W1420*, W1452*, W1022*.
Identifiers: ClinVar variation 2846900 (VCV002846900.5), dbSNP rs780486131, ClinGen allele CA250071444.
Genomic context (GRCh38, chr13:51,934,799, plus strand): 5'-CCGCCTGCCTGAAGTCATCAGATGTACTGCTCCTCATCCCTGCCATTCAGGAGCAGAGAC[C>T]ACTTGTCCCCATCATCGTCTGCTGCAGCGCTGTGCCGAGATGGCTTGTCGGACGTCAGGG-3'

ClinVar aggregate classification (germline): Pathogenic (1 of 4 stars; one submission).

Conditions:
Wilson disease (WND). Also called: Wilson's disease. Identifiers: Orphanet 905, MedGen C0019202, MONDO:0010200, OMIM 277900. Disease mechanism: loss of function.

Allele frequency attached by ClinVar (database versions not stated): gnomAD exomes below 0.00001.
gnomAD v4.1: 6 of 1,614,160 alleles (0.00037%); highest among the groups gnomAD compares: Non-Finnish European, 0.00051%; no homozygotes.

Submission:

Labcorp Genetics (formerly Invitae), Labcorp
Classification: Pathogenic for Wilson disease. Last evaluated: 2023-03-18. Review status: criteria provided, single submitter. Criteria: Invitae Variant Classification Sherloc (09022015). Collection method: clinical testing. Allele origin: germline.
Comment: This variant has not been reported in the literature in individuals affected with ATP7B-related conditions. This variant is not present in population databases (gnomAD no frequency). This sequence change creates a premature translational stop signal (p.Trp1452*) in the ATP7B gene. While this is not anticipated to result in nonsense mediated decay, it is expected to disrupt the last 14 amino acid(s) of the ATP7B protein. This variant disrupts a region of the ATP7B protein in which other variant(s) (p.Arg1459Glyfs*2) have been determined to be pathogenic (PMID: 26799313). This suggests that this is a clinically significant region of the protein, and that variants that disrupt it are likely to be disease-causing. For these reasons, this variant has been classified as Pathogenic.

Literature cited by the submitters: PubMed 26799313.